The following is an entry in ClinVar:

NM_000075.4(CDK4):c.823A>T (p.Met275Leu)

Genes: CDK4 (cyclin dependent kinase 4; minus strand), TSPAN31 (tetraspanin 31; plus strand). Cytogenetic location: 12q14.1.
Variant type: single nucleotide variant.
Coding change: c.823A>T on transcript NM_000075.4 (MANE Select); coding-DNA position 823, A replaced by T.
Protein change: p.Met275Leu; replaces methionine 275 with leucine.
Molecular consequence: missense variant. On other transcripts: 3 prime UTR variant (3).
Genome position (GRCh38, 1-based): chr12:57,748,614, T>A on the plus strand (A>T on the coding strand, the complement: CDK4 is on the minus strand). VCF-style: chr12-57748614-T-A. GRCh37 (hg19) VCF-style: chr12-58142397-T-A.
Other names: c.*1324T>A (NM_001330168.2, NM_001330169.2, NM_005981.5); short protein forms M275L.
Identifiers: ClinVar variation 141405 (VCV000141405.19), dbSNP rs587781723, ClinGen allele CA165335.

ClinVar aggregate classification (germline): Uncertain significance. Review status: criteria provided, multiple submitters, no conflicts (2 of 4 stars). 3 submissions from 3 submitters: Uncertain significance (3). Last evaluated 2025-12-11.

Conditions:
Familial melanoma. Also called: Hereditary melanoma; Hereditary cutaneous melanoma. Identifiers: Orphanet 618, MedGen C1512419, MONDO:0018961.
Hereditary cancer-predisposing syndrome. Also called: Neoplastic Syndromes, Hereditary; Tumor predisposition; Hereditary Cancer Syndrome; Hereditary neoplastic syndrome. Identifiers: Orphanet 140162, MedGen C0027672, MeSH D009386, MONDO:0015356.

Allele frequency attached by ClinVar (database versions not stated): gnomAD exomes below 0.00001.

Submissions (3):

Ambry Genetics
Classification: Uncertain significance for Hereditary cancer-predisposing syndrome. Last evaluated: 2025-12-11. Review status: criteria provided, single submitter. Criteria: Ambry Variant Classification Scheme 2023. Collection method: clinical testing. Allele origin: germline.

Labcorp Genetics (formerly Invitae), Labcorp
Classification: Uncertain significance for Familial melanoma. Last evaluated: 2025-12-09. Review status: criteria provided, single submitter. Criteria: Invitae Variant Classification Sherloc (09022015). Collection method: clinical testing. Allele origin: germline.
Comment: This sequence change replaces methionine, which is neutral and non-polar, with leucine, which is neutral and non-polar, at codon 275 of the CDK4 protein (p.Met275Leu). This variant is present in population databases (rs587781723, gnomAD 0.0009%). This variant has not been reported in the literature in individuals affected with CDK4-related conditions. ClinVar contains an entry for this variant (Variation ID: 141405). Invitae Evidence Modeling of protein sequence and biophysical properties (such as structural, functional, and spatial information, amino acid conservation, physicochemical variation, residue mobility, and thermodynamic stability) indicates that this missense variant is not expected to disrupt CDK4 protein function with a negative predictive value of 95%. In summary, the available evidence is currently insufficient to determine the role of this variant in disease. Therefore, it has been classified as a Variant of Uncertain Significance.

GeneDx
Classification: Uncertain significance. Last evaluated: 2023-04-06. Review status: criteria provided, single submitter. Criteria: GeneDx Variant Classification Process June 2021. Collection method: clinical testing. Allele origin: germline. Affected: yes.
Comment: Not observed at a significant frequency in large population cohorts (gnomAD); In silico analysis supports that this missense variant does not alter protein structure/function; Has not been previously published as pathogenic or benign to our knowledge